The following is an entry in ClinVar:

NM_001101426.4(CRPPA):c.635A>C (p.Glu212Ala)

Gene: CRPPA (CDP-L-ribitol pyrophosphorylase A; minus strand). Cytogenetic location: 7p21.2.
Variant type: single nucleotide variant.
Coding change: c.635A>C on transcript NM_001101426.4 (MANE Select); coding-DNA position 635, A replaced by C.
Protein change: p.Glu212Ala; replaces glutamic acid 212 with alanine.
Molecular consequence: missense variant. On other transcripts: non-coding transcript variant (1), intron variant (1).
Genome position (GRCh38, 1-based): chr7:16,376,141, T>G on the plus strand (A>C on the coding strand, the complement: CRPPA is on the minus strand). VCF-style: chr7-16376141-T-G. GRCh37 (hg19) VCF-style: chr7-16415766-T-G.
Other names: c.635A>C, p.Glu212Ala (NM_001368197.1); c.534+29920A>C (NM_001101417.4); short protein forms E212A.
Identifiers: ClinVar variation 1680779 (VCV001680779.8), dbSNP rs2128312067, ClinGen allele CA367001986.
Genomic context (GRCh38, chr7:16,376,141, plus strand): 5'-CAAATTCTTACCTGCTGATATGCTTCATAAATCACATCAAATAGAAAAGCTTGGGGCATT[T>G]CACTTGCTCTGTGTCTGGCACGTTCTAGCGAGTAGTCTAAGCAACCATCAGCAGATGGAC-3'
Protein context (NP_001094896.1, residues 202-222): SLERARHRAS[Glu212Ala]MPQAFLFDVI

ClinVar aggregate classification (germline): Uncertain significance (1 of 4 stars; one submission).

Conditions:
Muscular dystrophy-dystroglycanopathy (congenital with brain and eye anomalies), type A, 7. Also called: WALKER-WARBURG SYNDROME OR MUSCLE-EYE-BRAIN DISEASE, ISPD-RELATED; Congenital muscular dystrophy-dystroglycanopathy with brain and eye anomalies, type A7. Identifiers: Orphanet 899, MedGen C3553330, MONDO:0013835, OMIM 614643.
Autosomal recessive limb-girdle muscular dystrophy type 2U. Also called: Muscular dystrophy-dystroglycanopathy (limb-girdle), type c, 7; MUSCULAR DYSTROPHY, LIMB-GIRDLE, TYPE 2U. Identifiers: Orphanet 352479, MedGen C5190987, MONDO:0014474, OMIM 616052.

Submission:

Labcorp Genetics (formerly Invitae), Labcorp
Classification: Uncertain significance for Muscular dystrophy-dystroglycanopathy (congenital with brain and eye anomalies), type A, 7; Autosomal recessive limb-girdle muscular dystrophy type 2U. Last evaluated: 2021-07-26. Review status: criteria provided, single submitter. Criteria: Invitae Variant Classification Sherloc (09022015). Collection method: clinical testing. Allele origin: germline.
Comment: In summary, the available evidence is currently insufficient to determine the role of this variant in disease. Therefore, it has been classified as a Variant of Uncertain Significance. Algorithms developed to predict the effect of missense changes on protein structure and function (SIFT, PolyPhen-2, Align-GVGD) all suggest that this variant is likely to be disruptive. This variant has not been reported in the literature in individuals affected with ISPD-related conditions. This variant is not present in population databases (ExAC no frequency). This sequence change replaces glutamic acid with alanine at codon 212 of the ISPD protein (p.Glu212Ala). The glutamic acid residue is highly conserved and there is a moderate physicochemical difference between glutamic acid and alanine.